The following is an entry in ClinVar:

ClinVar aggregate classification (germline): Uncertain significance (1 of 4 stars; one submission).

gnomAD v4.1: 2 of 1,613,928 alleles (0.00012%); highest among the groups gnomAD compares: Admixed American, 0.0017%; no homozygotes.

Submission:

Ambry Genetics
Classification: Uncertain significance. Last evaluated: 2025-01-23. Review status: criteria provided, single submitter. Criteria: Ambry Variant Classification Scheme 2023. Collection method: clinical testing. Allele origin: germline.
Comment: The p.G1393E variant (also known as c.4178G>A), located in coding exon 14 of the CDK12 gene, results from a G to A substitution at nucleotide position 4178. The glycine at codon 1393 is replaced by glutamic acid, an amino acid with similar properties. This amino acid position is conserved. In addition, the in silico prediction for this alteration is inconclusive. Based on the available evidence, the clinical significance of this variant remains unclear.

NM_016507.4(CDK12):c.4178G>A (p.Gly1393Glu)

Gene: CDK12 (cyclin dependent kinase 12; plus strand). Cytogenetic location: 17q12.
Variant type: single nucleotide variant.
Coding change: c.4178G>A on transcript NM_016507.4 (MANE Select); coding-DNA position 4178, G replaced by A.
Protein change: p.Gly1393Glu; replaces glycine 1393 with glutamic acid.
Molecular consequence: missense variant.
Genome position (GRCh38, 1-based): chr17:39,531,021, G>A. VCF-style: chr17-39531021-G-A. GRCh37 (hg19) VCF-style: chr17-37687274-G-A.
Other names: c.4151G>A, p.Gly1384Glu (NM_015083.4); short protein forms G1393E, G1384E.
Identifiers: ClinVar variation 3830551 (VCV003830551.1).
Genomic context (GRCh38, chr17:39,531,021, plus strand): 5'-ACAGGACCTTCTCAGGCTCTCTGAGCCACCTTGGGGAGTCCAGCAGTTACCAGGGCACAG[G>A]GTCAGTGCAGTTTCCAGGGGACCAGGACCTCCGTTTTGCCAGGGTCCCCTTAGCGTTACA-3'
Protein context (NP_057591.2, residues 1383-1403): LGESSSYQGT[Gly1393Glu]SVQFPGDQDL